The following is an entry in ClinVar:

NM_001036.6(RYR3):c.1788+4G>A

Gene: RYR3 (ryanodine receptor 3; plus strand). Cytogenetic location: 15q14.
Variant type: single nucleotide variant.
Coding change: c.1788+4G>A on transcript NM_001036.6 (MANE Select); 4 bases into the intron after coding-DNA position 1788, G replaced by A.
Molecular consequence: intron variant.
Genome position (GRCh38, 1-based): chr15:33,586,120, G>A. VCF-style: chr15-33586120-G-A. GRCh37 (hg19) VCF-style: chr15-33878321-G-A.
Other names: c.1788+4G>A (NM_001243996.4).
Identifiers: ClinVar variation 864749 (VCV000864749.8), dbSNP rs1248271851, ClinGen allele CA712200162.
Genomic context (GRCh38, chr15:33,586,120, plus strand): 5'-GAGGGCCACATCAAGTCGATCATCTCCCTGTTGGATAAGCACGGGCGGAATCACAAGGTA[G>A]GTGTGGAAAGAACGGTGATTGACTTTGCCTGGTGTTTCCCTCCCCAATGTTCATGACCAT-3'

ClinVar aggregate classification (germline): Uncertain significance (1 of 4 stars; one submission).

Conditions:
Epileptic encephalopathy. Identifiers: MedGen C0543888, HP:0200134.

Allele frequency attached by ClinVar (database versions not stated): gnomAD exomes below 0.00001; TOPMed below 0.00001; gnomAD 0.00002.
gnomAD v4.1: 5 of 1,558,432 alleles (0.00032%); highest among the groups gnomAD compares: Admixed American, 0.0083%; no homozygotes.

Submission:

Labcorp Genetics (formerly Invitae), Labcorp
Classification: Uncertain significance for Epileptic encephalopathy. Last evaluated: 2019-12-30. Review status: criteria provided, single submitter. Criteria: Invitae Variant Classification Sherloc (09022015). Collection method: clinical testing. Allele origin: germline.
Comment: This sequence change falls in intron 16 of the RYR3 gene. It does not directly change the encoded amino acid sequence of the RYR3 protein, but it affects a nucleotide within the consensus splice site of the intron. In summary, the available evidence is currently insufficient to determine the role of this variant in disease. Therefore, it has been classified as a Variant of Uncertain Significance. Nucleotide substitutions within the consensus splice site are a relatively common cause of aberrant splicing (PMID: 17576681, 9536098). Experimental studies and prediction algorithms are not available or were not evaluated, and the effect of this variant on mRNA splicing is currently unknown. This variant has not been reported in the literature in individuals with RYR3-related conditions. This variant is not present in population databases (ExAC no frequency).

Literature cited by the submitters: PubMed 17576681; PubMed 9536098.